The following is an entry in ClinVar:

ClinVar aggregate classification (germline): Uncertain significance (1 of 4 stars; one submission).

Conditions:
Lymphoproliferative syndrome 1 (LPFS1). Identifiers: Orphanet 238505, Orphanet 538963, MedGen C3552634, MONDO:0013081, OMIM 613011.

Allele frequency attached by ClinVar (database versions not stated): gnomAD exomes 0.00001.
gnomAD v4.1: 8 of 1,613,868 alleles (0.0005%); highest among the groups gnomAD compares: Non-Finnish European, 0.00068%; no homozygotes.

Submission:

Labcorp Genetics (formerly Invitae), Labcorp
Classification: Uncertain significance for Lymphoproliferative syndrome 1. Last evaluated: 2022-03-09. Review status: criteria provided, single submitter. Criteria: Invitae Variant Classification Sherloc (09022015). Collection method: clinical testing. Allele origin: germline.
Comment: This variant has not been reported in the literature in individuals affected with ITK-related conditions. This sequence change replaces tyrosine, which is neutral and polar, with cysteine, which is neutral and slightly polar, at codon 578 of the ITK protein (p.Tyr578Cys). This variant is present in population databases (no rsID available, gnomAD 0.007%). Advanced modeling of protein sequence and biophysical properties (such as structural, functional, and spatial information, amino acid conservation, physicochemical variation, residue mobility, and thermodynamic stability) performed at Invitae indicates that this missense variant is not expected to disrupt ITK protein function. In summary, the available evidence is currently insufficient to determine the role of this variant in disease. Therefore, it has been classified as a Variant of Uncertain Significance.

NM_005546.4(ITK):c.1733A>G (p.Tyr578Cys)

Gene: ITK (IL2 inducible T cell kinase; plus strand). Cytogenetic location: 5q33.3.
Variant type: single nucleotide variant.
Coding change: c.1733A>G on transcript NM_005546.4 (MANE Select); coding-DNA position 1733, A replaced by G.
Protein change: p.Tyr578Cys; replaces tyrosine 578 with cysteine.
Molecular consequence: missense variant.
Genome position (GRCh38, 1-based): chr5:157,248,949, A>G. VCF-style: chr5-157248949-A-G. GRCh37 (hg19) VCF-style: chr5-156675959-A-G.
Other names: short protein forms Y578C.
Identifiers: ClinVar variation 1944037 (VCV001944037.5), dbSNP rs972999696, ClinGen allele CA361963846.
Genomic context (GRCh38, chr5:157,248,949, plus strand): 5'-CGTATGAAAACCGAAGCAACTCAGAGGTGGTGGAAGACATCAGTACCGGATTTCGGTTGT[A>G]CAAGCCCCGGCTGGCCTCCACACACGTCTACCAGATTATGAATCACTGCTGGAAAGAGGT-3'
Protein context (NP_005537.3, residues 568-588): VEDISTGFRL[Tyr578Cys]KPRLASTHVY